The following is an entry in ClinVar:

NM_002691.4(POLD1):c.2596G>A (p.Asp866Asn)

Gene: POLD1 (DNA polymerase delta 1, catalytic subunit; plus strand). Cytogenetic location: 19q13.33.
Variant type: single nucleotide variant.
Coding change: c.2596G>A on transcript NM_002691.4 (MANE Select); coding-DNA position 2596, G replaced by A.
Protein change: p.Asp866Asn; replaces aspartic acid 866 with asparagine.
Molecular consequence: missense variant. On other transcripts: non-coding transcript variant (1).
Genome position (GRCh38, 1-based): chr19:50,415,469, G>A. VCF-style: chr19-50415469-G-A. GRCh37 (hg19) VCF-style: chr19-50918726-G-A.
Other names: c.2596G>A, p.Asp866Asn (NM_001256849.1); c.2674G>A, p.Asp892Asn (NM_001308632.1); short protein forms D866N, D892N.
Identifiers: ClinVar variation 1475945 (VCV001475945.8), dbSNP rs2122474742, ClinGen allele CA406985370.
Genomic context (GRCh38, chr19:50,415,469, plus strand): 5'-GTGACGCTGTGCGGCCCGCTCTCCTACAGAGACCCTGAGGGCGCGGTGGCTCACGCACAG[G>A]ACGTCATCTCGGACCTGCTGTGCAACCGCATCGATATCTCCCAGCTGGTCATCACCAAGG-3'
Protein context (NP_002682.2, residues 856-876): DPEGAVAHAQ[Asp866Asn]VISDLLCNRI

ClinVar aggregate classification (germline): Uncertain significance (1 of 4 stars; one submission).

Conditions:
POLD1-related polyposis and colorectal cancer syndrome (CRCS10). Also called: Colorectal cancer 10; COLORECTAL CANCER, SUSCEPTIBILITY TO, ON CHROMOSOME 19q; Colorectal cancer, susceptibility to, 10. Identifiers: Orphanet 220460, MedGen C2675481, MONDO:0012953, OMIM 612591.

Submission:

Labcorp Genetics (formerly Invitae), Labcorp
Classification: Uncertain significance for POLD1-related polyposis and colorectal cancer syndrome. Last evaluated: 2025-05-13. Review status: criteria provided, single submitter. Criteria: Invitae Variant Classification Sherloc (09022015). Collection method: clinical testing. Allele origin: germline.
Comment: This sequence change replaces aspartic acid, which is acidic and polar, with asparagine, which is neutral and polar, at codon 866 of the POLD1 protein (p.Asp866Asn). This variant is not present in population databases (gnomAD no frequency). This variant has not been reported in the literature in individuals affected with POLD1-related conditions. ClinVar contains an entry for this variant (Variation ID: 1475945). Invitae Evidence Modeling of protein sequence and biophysical properties (such as structural, functional, and spatial information, amino acid conservation, physicochemical variation, residue mobility, and thermodynamic stability) indicates that this missense variant is not expected to disrupt POLD1 protein function with a negative predictive value of 80%. In summary, the available evidence is currently insufficient to determine the role of this variant in disease. Therefore, it has been classified as a Variant of Uncertain Significance.